The following is an entry in ClinVar:

NM_021922.3(FANCE):c.4G>C (p.Ala2Pro)

Genes: FANCE (FA complementation group E; plus strand), LOC129996245 (ATAC-STARR-seq lymphoblastoid silent region 17092; plus strand). Cytogenetic location: 6p21.31.
Variant type: single nucleotide variant.
Coding change: c.4G>C on transcript NM_021922.3 (MANE Select); coding-DNA position 4, G replaced by C.
Protein change: p.Ala2Pro; replaces alanine 2 with proline.
Molecular consequence: missense variant.
Genome position (GRCh38, 1-based): chr6:35,452,549, G>C. VCF-style: chr6-35452549-G-C. GRCh37 (hg19) VCF-style: chr6-35420326-G-C.
Other names: short protein forms A2P.
Identifiers: ClinVar variation 356441 (VCV000356441.11), dbSNP rs886061327, ClinGen allele CA10623692.

ClinVar aggregate classification (germline): Uncertain significance. Review status: criteria provided, multiple submitters, no conflicts (2 of 4 stars). 2 submissions from 2 submitters: Uncertain significance (2). Last evaluated 2026-01-11.

Conditions:
Fanconi anemia complementation group E (FANCE). Also called: FANCE-Related Fanconi Anemia. Identifiers: Orphanet 84, MedGen C3160739, MONDO:0010953, OMIM 600901.

Allele frequency attached by ClinVar (database versions not stated): TOPMed below 0.00001; gnomAD exomes 0.00003.
gnomAD v4.1: 37 of 1,325,546 alleles (0.0028%); highest among the groups gnomAD compares: Non-Finnish European, 0.0036%; no homozygotes.

Submissions (2):

Labcorp Genetics (formerly Invitae), Labcorp
Classification: Uncertain significance for Fanconi anemia complementation group E. Last evaluated: 2026-01-11. Review status: criteria provided, single submitter. Criteria: Invitae Variant Classification Sherloc (09022015). Collection method: clinical testing. Allele origin: germline.
Comment: This sequence change replaces alanine, which is neutral and non-polar, with proline, which is neutral and non-polar, at codon 2 of the FANCE protein (p.Ala2Pro). This variant is not present in population databases (gnomAD no frequency). This variant has not been reported in the literature in individuals affected with FANCE-related conditions. ClinVar contains an entry for this variant (Variation ID: 356441). An algorithm developed to predict the effect of missense changes on protein structure and function (PolyPhen-2) suggests that this variant is likely to be disruptive. In summary, the available evidence is currently insufficient to determine the role of this variant in disease. Therefore, it has been classified as a Variant of Uncertain Significance.

Illumina Laboratory Services, Illumina
Classification: Uncertain significance for Fanconi anemia complementation group E. Last evaluated: 2018-01-13. Review status: criteria provided, single submitter. Criteria: ICSL Variant Classification Criteria 13 December 2019. Collection method: clinical testing. Allele origin: germline.